The following is an entry in ClinVar:

ClinVar aggregate classification (germline): Uncertain significance (1 of 4 stars; one submission).

Conditions:
Cardiovascular phenotype. Identifiers: MedGen CN230736.

gnomAD v4.1: 3 of 1,607,114 alleles (0.00019%); highest among the groups gnomAD compares: Non-Finnish European, 0.00025%; no homozygotes.

Submission:

Ambry Genetics
Classification: Uncertain significance for Cardiovascular phenotype. Last evaluated: 2024-12-09. Review status: criteria provided, single submitter. Criteria: Ambry Variant Classification Scheme 2023. Collection method: clinical testing. Allele origin: germline.
Comment: The p.H75L variant (also known as c.224A>T), located in coding exon 1 of the TNXB gene, results from an A to T substitution at nucleotide position 224. The histidine at codon 75 is replaced by leucine, an amino acid with similar properties. This amino acid position is conserved. In addition, this alteration is predicted to be deleterious by in silico analysis. Based on the available evidence, the clinical significance of this variant remains unclear.

NM_001365276.2(TNXB):c.224A>T (p.His75Leu)

Gene: TNXB (tenascin XB; minus strand). Cytogenetic location: 6p21.33.
Variant type: single nucleotide variant.
Coding change: c.224A>T on transcript NM_001365276.2 (MANE Select); coding-DNA position 224, A replaced by T.
Protein change: p.His75Leu; replaces histidine 75 with leucine.
Molecular consequence: missense variant.
Genome position (GRCh38, 1-based): chr6:32,097,975, T>A on the plus strand (A>T on the coding strand, the complement: TNXB is on the minus strand). VCF-style: chr6-32097975-T-A. GRCh37 (hg19) VCF-style: chr6-32065752-T-A.
Other names: c.224A>T, p.His75Leu (NM_001428335.1, NM_019105.8); short protein forms H75L.
Identifiers: ClinVar variation 3459923 (VCV003459923.1).
Genomic context (GRCh38, chr6:32,097,975, plus strand): 5'-ACTGGGGGCTCGGTGCCTGGGGGACAGCCACAGCCAGTGGAAGGGGGCAGGTTAATGCGG[T>A]GGGTGAATACCACCTGCTTCTCCCCTCCTTCCACTGTGTGCTCGTAAAGCTGAGAAGAGG-3'
Protein context (NP_001352205.1, residues 65-85): EGGEKQVVFT[His75Leu]RINLPPSTGC